The following is an entry in ClinVar:

ClinVar aggregate classification (germline): Pathogenic (1 of 4 stars; one submission).

Conditions:
Inborn genetic diseases. Identifiers: MedGen C0950123, MeSH D030342.

Submission:

Ambry Genetics
Classification: Pathogenic for Inborn genetic diseases. Last evaluated: 2021-07-23. Review status: criteria provided, single submitter. Criteria: Ambry Variant Classification Scheme 2023. Collection method: clinical testing. Allele origin: germline.
Comment: The c.560delC (p.P187Rfs*82) alteration, located in exon 4 (coding exon 4) of the SCYL1 gene, consists of a deletion of one nucleotide at position 560, causing a translational frameshift with a predicted alternate stop codon after 82 amino acids. This alteration is expected to result in loss of function by premature protein truncation or nonsense-mediated mRNA decay. Based on data from the Genome Aggregation Database (gnomAD), the SCYL1 c.560delC alteration was not observed, with coverage at this position. Based on the available evidence, this alteration is classified as pathogenic.

NM_020680.4(SCYL1):c.560del (p.Pro187fs)

Gene: SCYL1 (SCY1 like pseudokinase 1; plus strand). Cytogenetic location: 11q13.1.
Variant type: Deletion.
Coding change: c.560del on transcript NM_020680.4 (MANE Select); coding-DNA position 560, one base deleted (C; older notation c.560delC).
Protein change: p.Pro187fs; shifts the reading frame from proline 187.
Molecular consequence: frameshift variant.
Genome position (GRCh38, 1-based): chr11:65,526,308, C deleted; the last of 6 consecutive C bases (chr11:65,526,303-65,526,308); deleting any one gives the same sequence. VCF-style (leftmost placement, unchanged base first): chr11-65526302-AC-A. GRCh37 (hg19) VCF-style: chr11-65293773-AC-A.
Other names: c.560del, p.Pro187fs (NM_001048218.2, NM_001411022.1); short protein forms P187fs.
Identifiers: ClinVar variation 2405187 (VCV002405187.2), dbSNP rs1282873235, ClinGen allele CA645595247.